The following is an entry in ClinVar:

NM_024334.3(TMEM43):c.190T>A (p.Leu64Met)

Gene: TMEM43 (transmembrane protein 43; plus strand). Cytogenetic location: 3p25.1.
Variant type: single nucleotide variant.
Coding change: c.190T>A on transcript NM_024334.3 (MANE Select); coding-DNA position 190, T replaced by A.
Protein change: p.Leu64Met; replaces leucine 64 with methionine.
Molecular consequence: missense variant.
Genome position (GRCh38, 1-based): chr3:14,130,849, T>A. VCF-style: chr3-14130849-T-A. GRCh37 (hg19) VCF-style: chr3-14172349-T-A.
Other names: c.190T>A, p.Leu64Met (NM_001407274.1, NM_001407275.1, NM_001407276.1 and 2 more transcripts); c.175T>A, p.Leu59Met (NM_001407278.1); c.40T>A, p.Leu14Met (NM_001407280.1); short protein forms L14M, L59M, L64M.
Identifiers: ClinVar variation 3069789 (VCV003069789.1), dbSNP rs1695084400, ClinGen allele CA351534534.

ClinVar aggregate classification (germline): Uncertain significance (1 of 4 stars; one submission).

Conditions:
Arrhythmogenic right ventricular dysplasia 5. Also called: Arrhythmogenic Right Ventricular Dysplasia/Cardiomyopathy 5; ARRHYTHMOGENIC RIGHT VENTRICULAR DYSPLASIA, FAMILIAL, 5. Identifiers: MedGen C1858379, MONDO:0011459, OMIM 604400.

Allele frequency attached by ClinVar (database versions not stated): gnomAD exomes 0.00001.
gnomAD v4.1: 5 of 1,613,852 alleles (0.00031%); highest among the groups gnomAD compares: Non-Finnish European, 0.00042%; no homozygotes.

Submission:

All of Us Research Program, National Institutes of Health
Classification: Uncertain significance for Arrhythmogenic right ventricular dysplasia 5. Last evaluated: 2023-03-09. Review status: criteria provided, single submitter. Criteria: ACMG Guidelines, 2015. Collection method: clinical testing. Allele origin: germline. Inheritance: Autosomal dominant inheritance. Observed: 1 variant allele, 1 heterozygote.
Comment: This missense variant replaces leucine with methionine at codon 64 of the TMEM43 protein. Computational prediction is inconclusive regarding the impact of this variant on protein structure and function (internally defined REVEL score threshold 0.5 < inconclusive < 0.7, PMID: 27666373). To our knowledge, functional studies have not been reported for this variant. This variant has not been reported in individuals affected with TMEM43-related disorders in the literature. This variant has not been identified in the general population by the Genome Aggregation Database (gnomAD). The available evidence is insufficient to determine the role of this variant in disease conclusively. Therefore, this variant is classified as a Variant of Uncertain Significance.

This study involves interpretation of variants in research participants for the purpose of population health screening. Participant phenotype was not available at the time of variant classification. Additional details can be found in publication PMID: 35346344, PMCID: PMC8962531